The following is an entry in ClinVar:

NM_000070.3(CAPN3):c.295T>C (p.Trp99Arg)

Gene: CAPN3 (calpain 3; plus strand). Cytogenetic location: 15q15.1.
Variant type: single nucleotide variant.
Coding change: c.295T>C on transcript NM_000070.3 (MANE Select); coding-DNA position 295, T replaced by C.
Protein change: p.Trp99Arg; replaces tryptophan 99 with arginine.
Molecular consequence: missense variant.
Genome position (GRCh38, 1-based): chr15:42,360,100, T>C. VCF-style: chr15-42360100-T-C. GRCh37 (hg19) VCF-style: chr15-42652298-T-C.
Other names: c.295T>C, p.Trp99Arg (NM_024344.2, NM_173087.2); short protein forms W99R.
Identifiers: ClinVar variation 4527614 (VCV004527614.1).

ClinVar aggregate classification (germline): Uncertain significance (1 of 4 stars; one submission).

Submission:

GeneDx
Classification: Uncertain significance. Last evaluated: 2025-04-24. Review status: criteria provided, single submitter. Criteria: GeneDx Variant Classification Process June 2021. Collection method: clinical testing. Allele origin: germline. Affected: yes.
Comment: Not observed at significant frequency in large population cohorts (gnomAD); In silico analysis supports that this missense variant has a deleterious effect on protein structure/function; Has not been previously published as pathogenic or benign to our knowledge